The following is an entry in ClinVar:

NM_001145715.3(KPNA7):c.491T>A (p.Leu164His)

Gene: KPNA7 (karyopherin subunit alpha 7; minus strand). Cytogenetic location: 7q22.1.
Variant type: single nucleotide variant.
Coding change: c.491T>A on transcript NM_001145715.3 (MANE Select); coding-DNA position 491, T replaced by A.
Protein change: p.Leu164His; replaces leucine 164 with histidine.
Molecular consequence: missense variant.
Genome position (GRCh38, 1-based): chr7:99,195,132, A>T on the plus strand (T>A on the coding strand, the complement: KPNA7 is on the minus strand). VCF-style: chr7-99195132-A-T. GRCh37 (hg19) VCF-style: chr7-98792755-A-T.
Other names: short protein forms L164H.
Identifiers: ClinVar variation 1348012 (VCV001348012.3), dbSNP rs2150750185, ClinGen allele CA368420445.

ClinVar aggregate classification (germline): Uncertain significance (1 of 4 stars; one submission).

Submission:

Labcorp Genetics (formerly Invitae), Labcorp
Classification: Uncertain significance. Last evaluated: 2021-10-10. Review status: criteria provided, single submitter. Criteria: Invitae Variant Classification Sherloc (09022015). Collection method: clinical testing. Allele origin: germline.
Comment: This sequence change replaces leucine with histidine at codon 164 of the KPNA7 protein (p.Leu164His). The leucine residue is highly conserved and there is a moderate physicochemical difference between leucine and histidine. This variant is not present in population databases (ExAC no frequency). This variant has not been reported in the literature in individuals affected with KPNA7-related conditions. Algorithms developed to predict the effect of missense changes on protein structure and function (SIFT, PolyPhen-2, Align-GVGD) all suggest that this variant is likely to be disruptive. In summary, the available evidence is currently insufficient to determine the role of this variant in disease. Therefore, it has been classified as a Variant of Uncertain Significance.